The following is an entry in ClinVar:

NM_001031725.6(DDX59):c.697A>G (p.Met233Val)

Gene: DDX59 (DEAD-box helicase 59; minus strand). Cytogenetic location: 1q32.1.
Variant type: single nucleotide variant.
Coding change: c.697A>G on transcript NM_001031725.6 (MANE Select); coding-DNA position 697, A replaced by G.
Protein change: p.Met233Val; replaces methionine 233 with valine.
Molecular consequence: missense variant.
Genome position (GRCh38, 1-based): chr1:200,666,044, T>C on the plus strand (A>G on the coding strand, the complement: DDX59 is on the minus strand). VCF-style: chr1-200666044-T-C. GRCh37 (hg19) VCF-style: chr1-200635172-T-C.
Other names: c.697A>G, p.Met233Val (NM_001320181.2, NM_001320182.1, NM_001349799.3 and 5 more transcripts); short protein forms M233V.
Identifiers: ClinVar variation 4801792 (VCV004801792.1).
Genomic context (GRCh38, chr1:200,666,044, plus strand): 5'-TTCCTGAGCCAGTATCTGCACTGGCCAGAATGTCTCTTCCCAGAAGTCCCACAGGAATCA[T>C]CTGCATTTGAATGGGAGTTGGCACCTCATAGCCTGATTTCTTCAAGTTGTGATTTAAGAC-3'
Protein context (NP_001026895.2, residues 223-243): YEVPTPIQMQ[Met233Val]IPVGLLGRDI

ClinVar aggregate classification (germline): Uncertain significance (1 of 4 stars; one submission).

gnomAD v4.1: 24 of 1,614,206 alleles (0.0015%); highest among the groups gnomAD compares: Non-Finnish European, 0.0019%; no homozygotes.

Submission:

Labcorp Genetics (formerly Invitae), Labcorp
Classification: Uncertain significance. Last evaluated: 2026-01-03. Review status: criteria provided, single submitter. Criteria: Invitae Variant Classification Sherloc (09022015). Collection method: clinical testing. Allele origin: germline.
Comment: This sequence change replaces methionine, which is neutral and non-polar, with valine, which is neutral and non-polar, at codon 233 of the DDX59 protein (p.Met233Val). This variant is present in population databases (no rsID available, gnomAD 0.002%). This variant has not been reported in the literature in individuals affected with DDX59-related conditions. Invitae Evidence Modeling of protein sequence and biophysical properties (such as structural, functional, and spatial information, amino acid conservation, physicochemical variation, residue mobility, and thermodynamic stability) indicates that this missense variant is not expected to disrupt DDX59 protein function with a negative predictive value of 80%. In summary, the available evidence is currently insufficient to determine the role of this variant in disease. Therefore, it has been classified as a Variant of Uncertain Significance.